The following is an entry in ClinVar:

ClinVar aggregate classification (germline): Uncertain significance (1 of 4 stars; one submission).

Submission:

Labcorp Genetics (formerly Invitae), Labcorp
Classification: Uncertain significance. Last evaluated: 2024-03-05. Review status: criteria provided, single submitter. Criteria: Invitae Variant Classification Sherloc (09022015). Collection method: clinical testing. Allele origin: germline.
Comment: This sequence change replaces threonine, which is neutral and polar, with isoleucine, which is neutral and non-polar, at codon 348 of the GDF5 protein (p.Thr348Ile). This variant is present in population databases (rs139346328, gnomAD 0.01%). This variant has not been reported in the literature in individuals affected with GDF5-related conditions. Advanced modeling of protein sequence and biophysical properties (such as structural, functional, and spatial information, amino acid conservation, physicochemical variation, residue mobility, and thermodynamic stability) performed at Invitae indicates that this missense variant is not expected to disrupt GDF5 protein function with a negative predictive value of 80%. In summary, the available evidence is currently insufficient to determine the role of this variant in disease. Therefore, it has been classified as a Variant of Uncertain Significance.

NM_000557.5(GDF5):c.1043C>T (p.Thr348Ile)

Genes: GDF5 (growth differentiation factor 5; minus strand), GDF5-AS1 (GDF5 antisense RNA 1; plus strand). Cytogenetic location: 20q11.22.
Variant type: single nucleotide variant.
Coding change: c.1043C>T on transcript NM_000557.5 (MANE Select); coding-DNA position 1043, C replaced by T.
Protein change: p.Thr348Ile; replaces threonine 348 with isoleucine.
Molecular consequence: missense variant. On other transcripts: non-coding transcript variant (1).
Genome position (GRCh38, 1-based): chr20:35,434,372, G>A on the plus strand (C>T on the coding strand, the complement: GDF5 is on the minus strand). VCF-style: chr20-35434372-G-A. GRCh37 (hg19) VCF-style: chr20-34022170-G-A.
Other names: c.1043C>T, p.Thr348Ile (NM_001319138.2); short protein forms T348I.
Identifiers: ClinVar variation 3613203 (VCV003613203.2).